The following is an entry in ClinVar:

NM_172240.3(POC1B):c.561-2A>G

Genes: POC1B (POC1 centriolar protein B; minus strand), POC1B-DUSP6 (POC1B-DUSP6 readthrough; minus strand). Cytogenetic location: 12q21.33.
Variant type: single nucleotide variant.
Coding change: c.561-2A>G on transcript NM_172240.3 (MANE Select); the canonical splice acceptor site of the intron before coding-DNA position 561, A replaced by G.
Molecular consequence: splice acceptor variant.
Genome position (GRCh38, 1-based): chr12:89,471,731, T>C on the plus strand (A>G on the coding strand, the complement: POC1B is on the minus strand). VCF-style: chr12-89471731-T-C. GRCh37 (hg19) VCF-style: chr12-89865508-T-C.
Other names: c.435-2A>G (NM_001199777.2).
Identifiers: ClinVar variation 2046840 (VCV002046840.1), dbSNP rs2540444867, ClinGen allele CA385997879.
Genomic context (GRCh38, chr12:89,471,731, plus strand): 5'-CAGAACCTGCTGAAGCTATGCATGTACCACTAGGGTTAAAGTCCACAAAATTTGCAAATC[T>C]AGGAGGAAAGAATAAGATGACCTAATATTTCAATTTCTTTTTTTTTTTTTTTTGAGACGG-3'

ClinVar aggregate classification (germline): Likely pathogenic (1 of 4 stars; one submission).

Submission:

Labcorp Genetics (formerly Invitae), Labcorp
Classification: Likely pathogenic. Last evaluated: 2022-07-05. Review status: criteria provided, single submitter. Criteria: Invitae Variant Classification Sherloc (09022015). Collection method: clinical testing. Allele origin: germline.
Comment: This sequence change affects an acceptor splice site in intron 5 of the POC1B gene. It is expected to disrupt RNA splicing. Variants that disrupt the donor or acceptor splice site typically lead to a loss of protein function (PMID: 16199547), and loss-of-function variants in POC1B are known to be pathogenic (PMID: 25018096, 29220607). This variant is not present in population databases (gnomAD no frequency). This variant has not been reported in the literature in individuals affected with POC1B-related conditions. Algorithms developed to predict the effect of sequence changes on RNA splicing suggest that this variant may disrupt the consensus splice site. In summary, the currently available evidence indicates that the variant is pathogenic, but additional data are needed to prove that conclusively. Therefore, this variant has been classified as Likely Pathogenic.

Literature cited by the submitters: PubMed 16199547; PubMed 25018096; PubMed 29220607.